The following is an entry in ClinVar:

ClinVar aggregate classification (germline): Uncertain significance (1 of 4 stars; one submission).

Conditions:
Epidermodysplasia verruciformis. Identifiers: Orphanet 302, MedGen C0014522, MONDO:0009176.

Submission:

Labcorp Genetics (formerly Invitae), Labcorp
Classification: Uncertain significance for Epidermodysplasia verruciformis. Last evaluated: 2024-07-16. Review status: criteria provided, single submitter. Criteria: Invitae Variant Classification Sherloc (09022015). Collection method: clinical testing. Allele origin: germline.
Comment: This sequence change replaces glutamine, which is neutral and polar, with lysine, which is basic and polar, at codon 51 of the TMC8 protein (p.Gln51Lys). This variant is not present in population databases (gnomAD no frequency). This variant has not been reported in the literature in individuals affected with TMC8-related conditions. An algorithm developed to predict the effect of missense changes on protein structure and function (PolyPhen-2) suggests that this variant is likely to be tolerated. In summary, the available evidence is currently insufficient to determine the role of this variant in disease. Therefore, it has been classified as a Variant of Uncertain Significance.

NM_152468.5(TMC8):c.151C>A (p.Gln51Lys)

Genes: TMC6 (transmembrane channel like 6; minus strand), TMC8 (transmembrane channel like 8; plus strand), LOC130061792 (ATAC-STARR-seq lymphoblastoid silent region 9043; plus strand). Cytogenetic location: 17q25.3.
Variant type: single nucleotide variant.
Coding change: c.151C>A on transcript NM_152468.5 (MANE Select); coding-DNA position 151, C replaced by A.
Protein change: p.Gln51Lys; replaces glutamine 51 with lysine.
Molecular consequence: missense variant. On other transcripts: intron variant (1).
Genome position (GRCh38, 1-based): chr17:78,131,883, C>A. VCF-style: chr17-78131883-C-A. GRCh37 (hg19) VCF-style: chr17-76127964-C-A.
Other names: c.-75+458G>T (NM_007267.7); short protein forms Q51K.
Identifiers: ClinVar variation 3659683 (VCV003659683.2).